The following is an entry in ClinVar:

NM_000492.4(CFTR):c.3034C>A (p.Gln1012Lys)

Genes: CFTR (CF transmembrane conductance regulator; plus strand), CFTR-AS2 (CFTR antisense RNA 2; minus strand), LOC111674472 (DNase I hypersensitive sites in introns 16 and 17a of CFTR; plus strand). Cytogenetic location: 7q31.2.
Variant type: single nucleotide variant.
Coding change: c.3034C>A on transcript NM_000492.4 (MANE Select); coding-DNA position 3034, C replaced by A.
Protein change: p.Gln1012Lys; replaces glutamine 1012 with lysine.
Molecular consequence: missense variant.
Genome position (GRCh38, 1-based): chr7:117,610,564, C>A. VCF-style: chr7-117610564-C-A. GRCh37 (hg19) VCF-style: chr7-117250618-C-A.
Other names: short protein forms Q1012K.
Identifiers: ClinVar variation 2447423 (VCV002447423.2), dbSNP rs2485128992, ClinGen allele CA368990523.

ClinVar aggregate classification (germline): Uncertain significance (1 of 4 stars; one submission).

Conditions:
Cystic fibrosis (CF). Also called: MUCOVISCIDOSIS. Identifiers: Orphanet 586, MedGen C0010674, MONDO:0009061, OMIM 219700. Disease mechanism: loss of function.

Allele frequency attached by ClinVar (database versions not stated): gnomAD exomes below 0.00001.
gnomAD v4.1: 1 of 1,613,460 alleles (0.000062%); highest among the groups gnomAD compares: Non-Finnish European, 0.000085%; no homozygotes.

Submission:

Ambry Genetics
Classification: Uncertain significance for Cystic fibrosis. Last evaluated: 2023-01-30. Review status: criteria provided, single submitter. Criteria: Ambry Variant Classification Scheme 2023. Collection method: clinical testing. Allele origin: germline.
Comment: The p.Q1012K variant (also known as c.3034C>A), located in coding exon 19 of the CFTR gene, results from a C to A substitution at nucleotide position 3034. The glutamine at codon 1012 is replaced by lysine, an amino acid with similar properties. This amino acid position is conserved. In addition, the in silico prediction for this alteration is inconclusive. Since supporting evidence is limited at this time, the clinical significance of this alteration remains unclear.